The following is an entry in ClinVar:

NM_006371.5(CRTAP):c.2T>C (p.Met1Thr)

Genes: CRTAP (cartilage associated protein; plus strand), LOC129936436 (ATAC-STARR-seq lymphoblastoid silent region 14183; plus strand). Cytogenetic location: 3p22.3.
Variant type: single nucleotide variant.
Coding change: c.2T>C on transcript NM_006371.5 (MANE Select); coding-DNA position 2, T replaced by C.
Protein change: p.Met1Thr; changes the start codon (methionine 1).
Molecular consequence: missense variant, initiator codon variant.
Genome position (GRCh38, 1-based): chr3:33,114,079, T>C. VCF-style: chr3-33114079-T-C. GRCh37 (hg19) VCF-style: chr3-33155571-T-C.
Other names: c.2T>C, p.Met1Thr (NM_001393363.1, NM_001393364.1, NM_001393365.1); short protein forms M1T.
Identifiers: ClinVar variation 2914570 (VCV002914570.4), dbSNP rs2471560599, ClinGen allele CA352007973.

ClinVar aggregate classification (germline): Pathogenic (1 of 4 stars; one submission).

Conditions:
Osteogenesis imperfecta type 7 (OI7). Also called: OI type 7; OI type VII; OSTEOGENESIS IMPERFECTA, TYPE IIB; Osteogenesis imperfecta type 2B; OI type 2B; Osteogenesis imperfecta, perinatal lethal autosomal recessive. Identifiers: MedGen C1853162, MONDO:0012536, OMIM 610682.

Allele frequency attached by ClinVar (database versions not stated): gnomAD exomes 0.00001.

Submission:

Labcorp Genetics (formerly Invitae), Labcorp
Classification: Pathogenic for Osteogenesis imperfecta type 7. Last evaluated: 2023-11-14. Review status: criteria provided, single submitter. Criteria: Invitae Variant Classification Sherloc (09022015). Collection method: clinical testing. Allele origin: germline.
Comment: This sequence change affects the initiator methionine of the CRTAP mRNA. The next in-frame methionine is located at codon 42. This variant is not present in population databases (gnomAD no frequency). Disruption of the initiator codon has been observed in individual(s) with osteogenesis imperfecta (PMID: 17192541). In at least one individual the data is consistent with being in trans (on the opposite chromosome) from a pathogenic variant. For these reasons, this variant has been classified as Pathogenic.

Literature cited by the submitters: PubMed 17192541.